The following is an entry in ClinVar:

ClinVar aggregate classification (germline): Uncertain significance (1 of 4 stars; one submission).

Allele frequency attached by ClinVar (database versions not stated): gnomAD exomes below 0.00001.
gnomAD v4.1: 1 of 1,613,052 alleles (0.000062%); highest among the groups gnomAD compares: East Asian, 0.0022%; no homozygotes.

Submission:

Ambry Genetics
Classification: Uncertain significance. Last evaluated: 2022-03-16. Review status: criteria provided, single submitter. Criteria: Ambry Variant Classification Scheme 2023. Collection method: clinical testing. Allele origin: germline.
Comment: The p.A1794V variant (also known as c.5381C>T), located in coding exon 5 of the ALPK2 gene, results from a C to T substitution at nucleotide position 5381. The alanine at codon 1794 is replaced by valine, an amino acid with similar properties. This amino acid position is conserved. In addition, this alteration is predicted to be tolerated by in silico analysis. Since supporting evidence is limited at this time, the clinical significance of this alteration remains unclear.

NM_052947.4(ALPK2):c.5381C>T (p.Ala1794Val)

Gene: ALPK2 (alpha kinase 2; minus strand). Cytogenetic location: 18q21.31.
Variant type: single nucleotide variant.
Coding change: c.5381C>T on transcript NM_052947.4 (MANE Select); coding-DNA position 5381, C replaced by T.
Protein change: p.Ala1794Val; replaces alanine 1794 with valine.
Molecular consequence: missense variant.
Genome position (GRCh38, 1-based): chr18:58,529,211, G>A on the plus strand (C>T on the coding strand, the complement: ALPK2 is on the minus strand). VCF-style: chr18-58529211-G-A. GRCh37 (hg19) VCF-style: chr18-56196443-G-A.
Other names: short protein forms A1794V.
Identifiers: ClinVar variation 1747181 (VCV001747181.2), dbSNP rs2518869634, ClinGen allele CA402554278.
Genomic context (GRCh38, chr18:58,529,211, plus strand): 5'-TGAATTTCTGCAAATTGGCAGCTTAATTTTACATTTCCAGAGTGTTCAGGGAACATCTCA[G>A]CTTGGATCTTTTTCAGTAATACTGGAGCTAGAAACAAGATATTTGAAGGTCAGTGTAACA-3'
Protein context (NP_443179.3, residues 1784-1804): RAPVLLKKIQ[Ala1794Val]EMFPEHSGNV